The following is an entry in ClinVar:

NM_001378373.1(MBL2):c.527A>G (p.Asn176Ser)

Gene: MBL2 (mannose binding lectin 2; minus strand). Cytogenetic location: 10q21.1.
Variant type: single nucleotide variant.
Coding change: c.527A>G on transcript NM_001378373.1 (MANE Select); coding-DNA position 527, A replaced by G.
Protein change: p.Asn176Ser; replaces asparagine 176 with serine.
Molecular consequence: missense variant.
Genome position (GRCh38, 1-based): chr10:52,768,357, T>C on the plus strand (A>G on the coding strand, the complement: MBL2 is on the minus strand). VCF-style: chr10-52768357-T-C. GRCh37 (hg19) VCF-style: chr10-54528117-T-C.
Other names: c.527A>G, p.Asn176Ser (NM_000242.3, NM_001378374.1); short protein forms N176S.
Identifiers: ClinVar variation 736719 (VCV000736719.8), dbSNP rs8191996, ClinGen allele CA5504298.
Genomic context (GRCh38, chr10:52,768,357, plus strand): 5'-ACAAACTGCCCTTCTGTCTTCTCATCAGTGATGCCCAGGAAGGCTTCCTCCTTGATGAGA[T>C]TCTGAATGGCTCCATTCTCTGCAGCATTCCTGGGGGTGGCCACAGAGGCCTGGAACTTGA-3'
Protein context (NP_001365302.1, residues 166-186): RNAAENGAIQ[Asn176Ser]LIKEEAFLGI

ClinVar aggregate classification (germline): Conflicting classifications of pathogenicity. Review status: criteria provided, conflicting classifications (1 of 4 stars). 3 submissions from 3 submitters: Uncertain significance (1); Benign (1); Likely benign (1). Last evaluated 2024-11-13.

Conditions:
Mannose-binding lectin deficiency. Also called: MBP DEFICIENCY; MBL DEFICIENCY; MBL2 DEFICIENCY; Chronic infections, due to MBL deficiency; LECTIN COMPLEMENT ACTIVATION PATHWAY, DEFECT IN, 1. Identifiers: MedGen C3280586, MONDO:0013714, OMIM 614372.

Allele frequency attached by ClinVar (database versions not stated): gnomAD 0.00002 and 0.00031; TOPMed 0.00005; gnomAD exomes 0.00062 and 0.00127; ExAC 0.00147; 1000 Genomes Project 30x 0.00234; 1000 Genomes Project 0.00280.

Submissions (3):

Blueprint Genetics
Classification: Likely benign. Last evaluated: 2024-11-13. Review status: criteria provided, single submitter. Criteria: ACMG Guidelines, 2015. Collection method: clinical testing. Allele origin: germline.

Labcorp Genetics (formerly Invitae), Labcorp
Classification: Benign. Last evaluated: 2018-03-29. Review status: criteria provided, single submitter. Criteria: Invitae Variant Classification Sherloc (09022015). Collection method: clinical testing. Allele origin: germline.

Illumina Laboratory Services, Illumina
Classification: Uncertain significance for Mannose-binding lectin deficiency. Last evaluated: 2017-04-27. Review status: criteria provided, single submitter. Criteria: ICSL Variant Classification Criteria 13 December 2019. Collection method: clinical testing. Allele origin: germline.
Comment: This variant was observed as part of a predisposition screen in an ostensibly healthy population. A literature search was performed for the gene, cDNA change, and amino acid change (where applicable). Publications were found based on this search. However, the evidence from the literature, in combination with allele frequency data from public databases where available, was not sufficient to rule this variant in or out of causing disease. Therefore, this variant is classified as a variant of unknown significance.

Literature cited by the submitters: PubMed 15829288 (cited by Illumina Laboratory Services, Illumina).